The following is an entry in ClinVar:

NM_206926.2(SELENON):c.781G>A (p.Glu261Lys)

Gene: SELENON (selenoprotein N; plus strand). Cytogenetic location: 1p36.11.
Variant type: single nucleotide variant.
Coding change: c.781G>A on transcript NM_206926.2 (MANE Select); coding-DNA position 781, G replaced by A.
Protein change: p.Glu261Lys; replaces glutamic acid 261 with lysine.
Molecular consequence: missense variant.
Genome position (GRCh38, 1-based): chr1:25,809,693, G>A. VCF-style: chr1-25809693-G-A. GRCh37 (hg19) VCF-style: chr1-26136184-G-A.
Other names: NM_020451.3(SELENON):c.883G>A; p.Glu295Lys; c.883G>A, p.Glu295Lys (NM_020451.3); short protein forms E295K, E261K.
Identifiers: ClinVar variation 501497 (VCV000501497.15), dbSNP rs978886878, ClinGen allele CA19698565.

ClinVar aggregate classification (germline): Conflicting classifications of pathogenicity. Review status: criteria provided, conflicting classifications (1 of 4 stars). 5 submissions from 5 submitters: Pathogenic (1); Uncertain significance (4). Last evaluated 2025-04-29.

Conditions:
Eichsfeld type congenital muscular dystrophy (CMYO3). Also called: Rigid spine muscular dystrophy 1; MYOPATHY, SEPN1-RELATED; SELENON-related myopathy; Congenital myopathy 3 with rigid spine. Identifiers: MedGen C0410180, MONDO:0100100, OMIM 602771.

Allele frequency attached by ClinVar (database versions not stated): gnomAD exomes 0.00001; gnomAD 0.00002; TOPMed 0.00002.

Submissions (5):

Broad Center for Mendelian Genomics, Broad Institute of MIT and Harvard
Classification: Uncertain significance. Last evaluated: 2025-04-29. Review status: criteria provided, single submitter. Criteria: ACMG Guidelines, 2015. Collection method: curation. Allele origin: germline. Inheritance: Autosomal recessive inheritance.
Comment: The heterozygous p.Glu295Lys variant in SELENON has been reported in at least 3 individuals with rigid spine muscular dystrophy (PMID: 21670436, 12192640, 33037864), and has been identified in 0.004% (3/74930) of African/African American chromosomes by the Genome Aggregation Database (gnomAD; dbSNP ID: rs978886878).Although this variant has been seen in the general population in a heterozygous state, its frequency is low enough to be consistent with a recessive carrier frequency. This variant has also been reported in ClinVar (VCV000501497.14) and has been interpreted as pathogenic by GeneDx, and a variant of uncertain significance by Eurofins Ntd Llc, Labcorp Genetics (formerly Invitae), and Women's Health and Genetics/Laboratory Corporation of America. Of the 3 affected individuals, at least one was a compound heterozygote that carried a reported pathogenic variant in trans, which increases the likelihood that the p.Glu295Lys variant is pathogenic (VCV000004496.77; PMID: 33037864). Computational prediction tools and conservation analyses suggest that this variant may impact the protein, though this information is not predictive enough to determine pathogenicity. In summary, while there is some suspicion for a pathogenic role, the clinical significance of this variant is uncertain. ACMG/AMP Criteria applied: PM3, PP3_moderate, PM2_supporting (Richards 2015).

Women's Health and Genetics/Laboratory Corporation of America, LabCorp
Classification: Uncertain significance. Last evaluated: 2024-08-19. Review status: criteria provided, single submitter. Criteria: LabCorp Variant Classification Summary - May 2015. Collection method: clinical testing. Allele origin: germline.
Comment: Variant summary: SELENON c.883G>A (p.Glu295Lys) results in a conservative amino acid change in the encoded protein sequence. Four of five in-silico tools predict a damaging effect of the variant on protein function. The variant was absent in 249328 control chromosomes (gnomAD). c.883G>A has been reported in the literature in individuals affected with SEPN-related myopathy (e.g. Scoto_2011, Varone_2019, Silwal_2020). These data indicate that the variant may be associated with disease. To our knowledge, no experimental evidence demonstrating an impact on protein function has been reported. The following publications have been ascertained in the context of this evaluation (PMID: 21670436, 30932294, 30921636, 33037864). ClinVar contains an entry for this variant (Variation ID: 501497). Based on the evidence outlined above, the variant was classified as VUS-possibly pathogenic.

Labcorp Genetics (formerly Invitae), Labcorp
Classification: Uncertain significance for Eichsfeld type congenital muscular dystrophy. Last evaluated: 2022-09-03. Review status: criteria provided, single submitter. Criteria: Invitae Variant Classification Sherloc (09022015). Collection method: clinical testing. Allele origin: germline.
Comment: This sequence change replaces glutamic acid, which is acidic and polar, with lysine, which is basic and polar, at codon 295 of the SELENON protein (p.Glu295Lys). This variant is not present in population databases (gnomAD no frequency). This missense change has been observed in individual(s) with clinical features of congenital myopathy (PMID: 21670436). ClinVar contains an entry for this variant (Variation ID: 501497). Algorithms developed to predict the effect of missense changes on protein structure and function are either unavailable or do not agree on the potential impact of this missense change (SIFT: "Deleterious"; PolyPhen-2: "Benign"; Align-GVGD: "Class C0"). In summary, the available evidence is currently insufficient to determine the role of this variant in disease. Therefore, it has been classified as a Variant of Uncertain Significance.

GeneDx
Classification: Pathogenic. Last evaluated: 2021-05-05. Review status: criteria provided, single submitter. Criteria: GeneDx Variant Classification Process June 2021. Collection method: clinical testing. Allele origin: germline. Affected: yes.
Comment: Previously reported in an individual with core myopathy who harbored an additional SEPN1 variant; however, comprehensive genetic testing and segregation analysis were not performed (Scoto et al., 2011); Not observed in large population cohorts (Lek et al., 2016); In silico analysis supports that this missense variant has a deleterious effect on protein structure/function; This variant is associated with the following publications: (PMID: 30932294, 23394784, 21670436)

Eurofins Ntd Llc (ga)
Classification: Uncertain significance. Last evaluated: 2017-04-17. Review status: criteria provided, single submitter. Criteria: EGL Classification Definitions 2015. Collection method: clinical testing. Allele origin: germline. Observed: 1 variant allele, 1 heterozygote.

Literature cited by the submitters: PubMed 21670436 (cited by 3 submitters); PubMed 12192640 (cited by Broad Center for Mendelian Genomics, Broad Institute of MIT and Harvard); PubMed 33037864 (cited by Broad Center for Mendelian Genomics, Broad Institute of MIT and Harvard and Women's Health and Genetics/Laboratory Corporation of America, LabCorp); PubMed 30932294 (cited by Women's Health and Genetics/Laboratory Corporation of America, LabCorp); PubMed 30921636 (cited by Women's Health and Genetics/Laboratory Corporation of America, LabCorp).